The following is an entry in ClinVar:

NM_000260.4(MYO7A):c.462C>A (p.Cys154Ter)

Gene: MYO7A (myosin VIIA; plus strand). Cytogenetic location: 11q13.5.
Variant type: single nucleotide variant.
Coding change: c.462C>A on transcript NM_000260.4 (MANE Select); coding-DNA position 462, C replaced by A.
Protein change: p.Cys154Ter; replaces cysteine 154 with a stop codon.
Molecular consequence: nonsense.
Genome position (GRCh38, 1-based): chr11:77,156,083, C>A. VCF-style: chr11-77156083-C-A. GRCh37 (hg19) VCF-style: chr11-76867129-C-A.
Other names: c.462C>A, p.Cys154Ter (NM_001127180.2); c.429C>A, p.Cys143Ter (NM_001369365.1); short protein forms C154*, C143*.
Identifiers: ClinVar variation 959009 (VCV000959009.13), dbSNP rs1952434877, ClinGen allele CA381931698.

ClinVar aggregate classification (germline): Pathogenic. Review status: criteria provided, multiple submitters, no conflicts (2 of 4 stars). 3 submissions from 3 submitters: Pathogenic (3). Last evaluated 2024-02-24.

Conditions:
Autosomal dominant nonsyndromic hearing loss 11. Identifiers: Orphanet 90635, MedGen C1832475, MONDO:0011032, OMIM 601317.
Autosomal recessive nonsyndromic hearing loss 2. Also called: DEAFNESS, AUTOSOMAL RECESSIVE 2; NEUROSENSORY NONSYNDROMIC RECESSIVE DEAFNESS 2. Identifiers: Orphanet 90636, MedGen C1838701, MONDO:0010807, OMIM 600060.
Usher syndrome type 1 (USH1). Also called: RETINITIS PIGMENTOSA AND CONGENITAL DEAFNESS. Identifiers: Orphanet 231169, Orphanet 886, MedGen C1568247, MONDO:0010168, OMIM 276900.

Submissions (3):

Fulgent Genetics
Classification: Pathogenic for Usher syndrome type 1; Autosomal recessive nonsyndromic hearing loss 2; Autosomal dominant nonsyndromic hearing loss 11. Last evaluated: 2024-02-24. Review status: criteria provided, single submitter. Criteria: ACMG Guidelines, 2015. Collection method: clinical testing. Allele origin: germline.

Labcorp Genetics (formerly Invitae), Labcorp
Classification: Pathogenic. Last evaluated: 2022-06-13. Review status: criteria provided, single submitter. Criteria: Invitae Variant Classification Sherloc (09022015). Collection method: clinical testing. Allele origin: germline.
Comment: This sequence change creates a premature translational stop signal (p.Cys154*) in the MYO7A gene. It is expected to result in an absent or disrupted protein product. Loss-of-function variants in MYO7A are known to be pathogenic (PMID: 8900236, 25404053). For these reasons, this variant has been classified as Pathogenic. ClinVar contains an entry for this variant (Variation ID: 959009). This premature translational stop signal has been observed in individuals with autosomal recessive Usher syndrome Type 1 (PMID: 25080338, 25211151). It has also been observed to segregate with disease in related individuals. This variant is not present in population databases (gnomAD no frequency).

Juno Genomics, Hangzhou Juno Genomics, Inc
Classification: Pathogenic for Autosomal dominant nonsyndromic hearing loss 11; Autosomal recessive nonsyndromic hearing loss 2; Usher syndrome type 1. Review status: criteria provided, single submitter. Criteria: ACMG Guidelines, 2015. Collection method: clinical testing. Allele origin: germline.
Comment: Absent from controls (or at extremely low frequency if recessive) in Genome Aggregation Database.;Null variant in a gene where loss of function (LOF) is a known mechanism of disease.;Co-segregation with disease in multiple affected family members.;For recessive disorders, detected in trans with a pathogenic variant.

Literature cited by the submitters: PubMed 8900236 (cited by Labcorp Genetics (formerly Invitae), Labcorp); PubMed 25404053 (cited by Labcorp Genetics (formerly Invitae), Labcorp); PubMed 25080338 (cited by Labcorp Genetics (formerly Invitae), Labcorp); PubMed 25211151 (cited by Labcorp Genetics (formerly Invitae), Labcorp).